The following is an entry in ClinVar:

ClinVar aggregate classification (germline): Benign. Review status: criteria provided, multiple submitters, no conflicts (2 of 4 stars). 2 submissions from 2 submitters: Benign (2). Last evaluated 2018-01-13.

Conditions:
Hypophosphatasia. Also called: Phosphoethanol-aminuria. Identifiers: Orphanet 436, MedGen C0020630, MeSH D007014, MONDO:0018570.

Allele frequency attached by ClinVar (database versions not stated): 1000 Genomes Project 0.01298; 1000 Genomes Project 30x 0.01390.
gnomAD v4.1: 10,164 of 1,546,156 alleles (0.66%); highest among the groups gnomAD compares: African/African-American, 3.6%; 81 homozygotes.

Submissions (2):

Illumina Laboratory Services, Illumina
Classification: Benign for Hypophosphatasia. Last evaluated: 2018-01-13. Review status: criteria provided, single submitter. Criteria: ICSL Variant Classification Criteria 13 December 2019. Collection method: clinical testing. Allele origin: germline.
Comment: This variant was observed in the ICSL laboratory as part of a predisposition screen in an ostensibly healthy population. It had not been previously curated by ICSL or reported in the Human Gene Mutation Database (HGMD: prior to June 1st, 2018), and was therefore a candidate for classification through an automated scoring system. Utilizing variant allele frequency, disease prevalence and penetrance estimates, and inheritance mode, an automated score was calculated to assess if this variant is too frequent to cause the disease. Based on the score and internal cut-off values, a variant classified as benign is not then subjected to further curation. The score for this variant resulted in a classification of benign for this disease.

Breakthrough Genomics
Classification: Benign. Review status: criteria provided, single submitter. Criteria: ACMG Guidelines, 2015. Collection method: not provided. Allele origin: germline. Inheritance: Autosomal recessive inheritance. Affected: yes.

NM_000478.6(ALPL):c.*65C>A

Gene: ALPL (alkaline phosphatase, biomineralization associated; plus strand). Cytogenetic location: 1p36.12.
Variant type: single nucleotide variant.
Coding change: c.*65C>A on transcript NM_000478.6 (MANE Select); 65 bases downstream of the stop codon, C replaced by A.
Molecular consequence: 3 prime UTR variant.
Genome position (GRCh38, 1-based): chr1:21,577,713, C>A. VCF-style: chr1-21577713-C-A. GRCh37 (hg19) VCF-style: chr1-21904206-C-A.
Other names: c.*65C>A (NM_001127501.4, NM_001177520.3, NM_001369803.2 and 2 more transcripts).
Identifiers: ClinVar variation 295557 (VCV000295557.6), dbSNP rs1697405, ClinGen allele CA10609105.
Genomic context (GRCh38, chr1:21,577,713, plus strand): 5'-CCAGGGCCCGGGCACCCACAAGCCCGTGACAGATGCCAACTTCCCACACGGCAGCCCCCC[C>A]CTCAAGGGGCAGGGAGGTGGGGGCCTCCTCAGCCTCTGCAACTGCAAGAAAGGGGACCCA-3'